The following is an entry in ClinVar:

NM_001351132.2(PEX5):c.351C>G (p.Asn117Lys)

Gene: PEX5 (peroxisomal biogenesis factor 5; plus strand). Cytogenetic location: 12p13.31.
Variant type: single nucleotide variant.
Coding change: c.351C>G on transcript NM_001351132.2 (MANE Select); coding-DNA position 351, C replaced by G.
Protein change: p.Asn117Lys; replaces asparagine 117 with lysine.
Molecular consequence: missense variant.
Genome position (GRCh38, 1-based): chr12:7,191,603, C>G. VCF-style: chr12-7191603-C-G. GRCh37 (hg19) VCF-style: chr12-7344199-C-G.
Other names: c.351C>G, p.Asn117Lys (NM_000319.5, NM_001131024.2, NM_001131025.2 and 19 more transcripts); c.396C>G, p.Asn132Lys (NM_001131023.2, NM_001351135.3, NM_001351138.2); c.351C>G (NM_001131025.1); short protein forms N132K, N117K.
Identifiers: ClinVar variation 1416892 (VCV001416892.7), dbSNP rs1354610463, ClinGen allele CA383712136.

ClinVar aggregate classification (germline): Uncertain significance. Review status: criteria provided, multiple submitters, no conflicts (2 of 4 stars). 3 submissions from 3 submitters: Uncertain significance (2). 1 of the submissions does not count toward it. Last evaluated 2024-07-16.

Conditions:
PEX5-related disorder. Also called: PEX5-related condition; PEX5-Related Disorders.
Inborn genetic diseases. Identifiers: MedGen C0950123, MeSH D030342.
Peroxisome biogenesis disorder 2B (PBD2B). Identifiers: Orphanet 44, MedGen C3550234, MONDO:0008736, OMIM 202370.

Allele frequency attached by ClinVar (database versions not stated): gnomAD exomes below 0.00001 and 0.00001; TOPMed below 0.00001; gnomAD 0.00001.
gnomAD v4.1: 3 of 1,613,928 alleles (0.00019%); highest among the groups gnomAD compares: Admixed American, 0.005%; no homozygotes.

Submissions (3):

Ambry Genetics
Classification: Uncertain significance for Inborn genetic diseases. Last evaluated: 2024-07-16. Review status: criteria provided, single submitter. Criteria: Ambry Variant Classification Scheme 2023. Collection method: clinical testing. Allele origin: germline.

Labcorp Genetics (formerly Invitae), Labcorp
Classification: Uncertain significance for Peroxisome biogenesis disorder 2B. Last evaluated: 2022-10-25. Review status: criteria provided, single submitter. Criteria: Invitae Variant Classification Sherloc (09022015). Collection method: clinical testing. Allele origin: germline.
Comment: This sequence change replaces asparagine, which is neutral and polar, with lysine, which is basic and polar, at codon 117 of the PEX5 protein (p.Asn117Lys). This variant is present in population databases (no rsID available, gnomAD 0.003%). This variant has not been reported in the literature in individuals affected with PEX5-related conditions. ClinVar contains an entry for this variant (Variation ID: 1416892). Algorithms developed to predict the effect of missense changes on protein structure and function (SIFT, PolyPhen-2, Align-GVGD) all suggest that this variant is likely to be tolerated. In summary, the available evidence is currently insufficient to determine the role of this variant in disease. Therefore, it has been classified as a Variant of Uncertain Significance.

PreventionGenetics, part of Exact Sciences
Classification: Uncertain significance for PEX5-related condition. Last evaluated: 2024-05-08. Review status: no assertion criteria provided. Collection method: clinical testing. Allele origin: germline. Not counted in ClinVar's aggregate classification.
Comment: The PEX5 c.351C>G variant is predicted to result in the amino acid substitution p.Asn117Lys. To our knowledge, this variant has not been reported in the literature. This variant is reported in 0.0056% of alleles in individuals of Latino descent in gnomAD. At this time, the clinical significance of this variant is uncertain due to the absence of conclusive functional and genetic evidence.